The following is an entry in ClinVar:

NM_000321.3(RB1):c.501G>T (p.Arg167Ser)

Gene: RB1 (RB transcriptional corepressor 1; plus strand). Cytogenetic location: 13q14.2.
Variant type: single nucleotide variant.
Coding change: c.501G>T on transcript NM_000321.3 (MANE Select); coding-DNA position 501, G replaced by T.
Protein change: p.Arg167Ser; replaces arginine 167 with serine.
Molecular consequence: missense variant.
Genome position (GRCh38, 1-based): chr13:48,347,825, G>T. VCF-style: chr13-48347825-G-T. GRCh37 (hg19) VCF-style: chr13-48921961-G-T.
Other names: c.501G>T, p.Arg167Ser (NM_001407165.1, NM_001407166.1); short protein forms R167S.
Identifiers: ClinVar variation 2791364 (VCV002791364.4), dbSNP rs2138091522, ClinGen allele CA388156776.

ClinVar aggregate classification (germline): Uncertain significance. Review status: criteria provided, multiple submitters, no conflicts (2 of 4 stars). 2 submissions from 2 submitters: Uncertain significance (2). Last evaluated 2024-02-04.

Conditions:
Retinoblastoma (RB1). Also called: RETINOBLASTOMA, SOMATIC. Identifiers: Orphanet 790, MedGen C0035335, MeSH D012175, MONDO:0008380, OMIM 180200, HP:0009919. Disease mechanism: loss of function. Inheritance: Both sporadic and heritable forms are tested..
Hereditary cancer-predisposing syndrome. Also called: Hereditary Cancer Syndrome; Neoplastic Syndromes, Hereditary; Tumor predisposition; Hereditary neoplastic syndrome. Identifiers: Orphanet 140162, MedGen C0027672, MeSH D009386, MONDO:0015356.

Allele frequency attached by ClinVar (database versions not stated): gnomAD exomes below 0.00001.

Submissions (2):

Ambry Genetics
Classification: Uncertain significance for Hereditary cancer-predisposing syndrome. Last evaluated: 2024-02-04. Review status: criteria provided, single submitter. Criteria: Ambry Variant Classification Scheme 2023. Collection method: clinical testing. Allele origin: germline.
Comment: The p.R167S variant (also known as c.501G>T) is located in coding exon 5 of the RB1 gene. The arginine at codon 167 is replaced by serine, an amino acid with dissimilar properties. This change occurs in the first base pair of coding exon 5. This amino acid position is conserved. In addition, the in silico prediction for this alteration is inconclusive. Based on the available evidence, the clinical significance of this alteration remains unclear.

Labcorp Genetics (formerly Invitae), Labcorp
Classification: Uncertain significance for Retinoblastoma. Last evaluated: 2023-08-01. Review status: criteria provided, single submitter. Criteria: Invitae Variant Classification Sherloc (09022015). Collection method: clinical testing. Allele origin: germline.
Comment: This sequence change replaces arginine, which is basic and polar, with serine, which is neutral and polar, at codon 167 of the RB1 protein (p.Arg167Ser). RNA analysis indicates that this missense change induces altered splicing and likely results in a shortened protein product. This variant is not present in population databases (gnomAD no frequency). This variant has not been reported in the literature in individuals affected with RB1-related conditions. An algorithm developed to predict the effect of missense changes on protein structure and function (PolyPhen-2) suggests that this variant is likely to be tolerated. Studies have shown that this missense change results in skipping of 5, but is expected to preserve the integrity of the reading-frame (Invitae). In summary, the available evidence is currently insufficient to determine the role of this variant in disease. Therefore, it has been classified as a Variant of Uncertain Significance.